The following is an entry in ClinVar:

ClinVar aggregate classification (germline): Uncertain significance (1 of 4 stars; one submission).

Submission:

GeneDx
Classification: Uncertain significance. Last evaluated: 2019-07-18. Review status: criteria provided, single submitter. Criteria: GeneDx Variant Classification Process June 2021. Collection method: clinical testing. Allele origin: germline. Affected: yes.
Comment: Not observed in large population cohorts (Lek et al., 2016); In silico analysis, which includes protein predictors and evolutionary conservation, supports a deleterious effect; Has not been previously published as pathogenic or benign to our knowledge

NM_201384.3(PLEC):c.1884G>T (p.Glu628Asp)

Gene: PLEC (plectin; minus strand). Cytogenetic location: 8q24.3.
Variant type: single nucleotide variant.
Coding change: c.1884G>T on transcript NM_201384.3 (MANE Select); coding-DNA position 1884, G replaced by T.
Protein change: p.Glu628Asp; replaces glutamic acid 628 with aspartic acid.
Molecular consequence: missense variant.
Genome position (GRCh38, 1-based): chr8:143,932,493, C>A on the plus strand (G>T on the coding strand, the complement: PLEC is on the minus strand). VCF-style: chr8-143932493-C-A. GRCh37 (hg19) VCF-style: chr8-145006661-C-A.
Other names: c.1965G>T, p.Glu655Asp (NM_000445.5); c.1842G>T, p.Glu614Asp (NM_201378.4); c.1818G>T, p.Glu606Asp (NM_201379.3); c.2295G>T, p.Glu765Asp (NM_201380.4); c.1788G>T, p.Glu596Asp (NM_201381.3); c.1884G>T, p.Glu628Asp (NM_201382.4); c.1896G>T, p.Glu632Asp (NM_201383.3); short protein forms E596D, E606D, E614D, E628D, E632D, E655D, E765D.
Identifiers: ClinVar variation 1302704 (VCV001302704.2), dbSNP rs782794399, ClinGen allele CA372578374.